The following is an entry in ClinVar:

NM_002519.3(NPAT):c.1715C>G (p.Ser572Cys)

Gene: NPAT (nuclear protein, coactivator of histone transcription; minus strand). Cytogenetic location: 11q22.3.
Variant type: single nucleotide variant.
Coding change: c.1715C>G on transcript NM_002519.3 (MANE Select); coding-DNA position 1715, C replaced by G.
Protein change: p.Ser572Cys; replaces serine 572 with cysteine.
Molecular consequence: missense variant.
Genome position (GRCh38, 1-based): chr11:108,173,269, G>C on the plus strand (C>G on the coding strand, the complement: NPAT is on the minus strand). VCF-style: chr11-108173269-G-C. GRCh37 (hg19) VCF-style: chr11-108043996-G-C.
Other names: c.1715C>G, p.Ser572Cys (NM_001321307.1); short protein forms S572C.
Identifiers: ClinVar variation 3407153 (VCV003407153.1).
Genomic context (GRCh38, chr11:108,173,269, plus strand): 5'-AGCTGTGACATAACTGGTTCTAACACATTAATTTCTATTTTACTCTTGTGAACTTCACTA[G>C]AATCTGATGACTTGGAACCATGAAAATTAATTTTAAGTTTTACTGTATCATTAGAATTTT-3'
Protein context (NP_002510.2, residues 562-582): INFHGSKSSD[Ser572Cys]SEVHKSKIEI

ClinVar aggregate classification (germline): Uncertain significance (1 of 4 stars; one submission).

Submission:

Ambry Genetics
Classification: Uncertain significance. Last evaluated: 2024-08-21. Review status: criteria provided, single submitter. Criteria: Ambry Variant Classification Scheme 2023. Collection method: clinical testing. Allele origin: germline.
Comment: The p.S572C variant (also known as c.1715C>G), located in coding exon 13 of the NPAT gene, results from a C to G substitution at nucleotide position 1715. The serine at codon 572 is replaced by cysteine, an amino acid with dissimilar properties. This amino acid position is conserved. In addition, this alteration is predicted to be tolerated by in silico analysis. Based on the available evidence, the clinical significance of this variant remains unclear.